The following is an entry in ClinVar:

NM_058004.4(PI4KA):c.1062T>C (p.Ser354=)

Gene: PI4KA (phosphatidylinositol 4-kinase alpha; minus strand). Cytogenetic location: 22q11.21.
Variant type: single nucleotide variant.
Coding change: c.1062T>C on transcript NM_058004.4 (MANE Select); coding-DNA position 1062, T replaced by C.
Protein change: p.Ser354=; no amino-acid change (serine 354 retained).
Molecular consequence: synonymous variant. On other transcripts: intron variant (1).
Genome position (GRCh38, 1-based): chr22:20,810,976, A>G on the plus strand (T>C on the coding strand, the complement: PI4KA is on the minus strand). VCF-style: chr22-20810976-A-G. GRCh37 (hg19) VCF-style: chr22-21165264-A-G.
Other names: c.1062T>C, p.Ser354= (NM_001362862.2); c.1005+2382T>C (NM_001362863.2).
Identifiers: ClinVar variation 3047479 (VCV003047479.2), dbSNP rs560279326, ClinGen allele CA10116598.

ClinVar aggregate classification (germline): Likely benign (0 of 4 stars; one submission).

Conditions:
PI4KA-related disorder. Also called: PI4KA-related disorders; PI4KA-related condition. Identifiers: MedGen CN378147, MONDO:1040012.

Allele frequency attached by ClinVar (database versions not stated): TOPMed below 0.00001; gnomAD 0.00002; gnomAD exomes 0.00006; ExAC 0.00016; 1000 Genomes Project 30x 0.00031; 1000 Genomes Project 0.00040.
gnomAD v4.1: 90 of 1,612,794 alleles (0.0056%); highest among the groups gnomAD compares: South Asian, 0.089%; 1 homozygote.

Submission:

PreventionGenetics, part of Exact Sciences
Classification: Likely benign for PI4KA-related condition. Last evaluated: 2023-09-13. Review status: no assertion criteria provided. Collection method: clinical testing. Allele origin: germline.
Comment: This variant is classified as likely benign based on ACMG/AMP sequence variant interpretation guidelines (Richards et al. 2015 PMID: 25741868, with internal and published modifications).